The following is an entry in ClinVar:

ClinVar aggregate classification (germline): Uncertain significance (1 of 4 stars; one submission).

Allele frequency attached by ClinVar (database versions not stated): gnomAD 0.00001; TOPMed 0.00001; gnomAD exomes 0.00002.

Submission:

GeneDx
Classification: Uncertain significance. Last evaluated: 2020-02-21. Review status: criteria provided, single submitter. Criteria: GeneDx Variant Classification Process June 2021. Collection method: clinical testing. Allele origin: germline. Affected: yes.
Comment: In silico analysis supports that this missense variant does not alter protein structure/function; Has not been previously published as pathogenic or benign to our knowledge

NM_001807.6(CEL):c.1165G>A (p.Glu389Lys)

Gene: CEL (carboxyl ester lipase; plus strand). Cytogenetic location: 9q34.13.
Variant type: single nucleotide variant.
Coding change: c.1165G>A on transcript NM_001807.6 (MANE Select); coding-DNA position 1165, G replaced by A.
Protein change: p.Glu389Lys; replaces glutamic acid 389 with lysine.
Molecular consequence: missense variant.
Genome position (GRCh38, 1-based): chr9:133,069,138, G>A. VCF-style: chr9-133069138-G-A. GRCh37 (hg19) VCF-style: chr9-135944525-G-A.
Other names: short protein forms E389K.
Identifiers: ClinVar variation 1310689 (VCV001310689.2), dbSNP rs1226275795, ClinGen allele CA375396855.